The following is an entry in ClinVar:

ClinVar aggregate classification (germline): Pathogenic (1 of 4 stars; one submission).

Conditions:
Long QT syndrome (LQTS). Identifiers: MedGen C0023976, MeSH D008133, MONDO:0002442. Disease mechanism: loss of function. Inheritance: Various modes of inheritance.

Submission:

Labcorp Genetics (formerly Invitae), Labcorp
Classification: Pathogenic for Long QT syndrome. Last evaluated: 2024-05-05. Review status: criteria provided, single submitter. Criteria: Invitae Variant Classification Sherloc (09022015). Collection method: clinical testing. Allele origin: germline.
Comment: This sequence change creates a premature translational stop signal (p.Ala223Glyfs*136) in the KCNH2 gene. It is expected to result in an absent or disrupted protein product. Loss-of-function variants in KCNH2 are known to be pathogenic (PMID: 10973849, 19862833). This variant is not present in population databases (gnomAD no frequency). This premature translational stop signal has been observed in individual(s) with long QT syndrome (Invitae). For these reasons, this variant has been classified as Pathogenic.

Literature cited by the submitters: PubMed 10973849; PubMed 19862833.

NM_000238.4(KCNH2):c.668_671del (p.Ala223fs)

Gene: KCNH2 (potassium voltage-gated channel subfamily H member 2; minus strand). Cytogenetic location: 7q36.1.
Variant type: Deletion.
Coding change: c.668_671del on transcript NM_000238.4 (MANE Select); coding-DNA positions 668 to 671, 4 bases deleted (CAGG; older notation c.668_671delCAGG).
Protein change: p.Ala223fs; shifts the reading frame from alanine 223.
Molecular consequence: frameshift variant.
Genome position (GRCh38, 1-based): chr7:150,958,304-150,958,307, CCTG deleted on the plus strand (CAGG on the coding strand, the reverse complement: KCNH2 is on the minus strand); deleting any 4 consecutive bases within chr7:150,958,304-150,958,309 gives the same sequence; the c. name uses the placement nearest the transcript's 3' end. VCF-style (leftmost placement, unchanged base first): chr7-150958303-CCCTG-C. GRCh37 (hg19) VCF-style: chr7-150655391-CCCTG-C.
Other names: c.666_669delGGCA, p.Ala223Glyfs (NM_172056.3); c.378_381delGGCA, p.Ala127Glyfs (NM_001406753.1, NM_001406756.1); c.489_492delGGCA, p.Ala164Glyfs (NM_001406755.1); c.366_369delGGCA, p.Ala123Glyfs (NM_001406757.1); short protein forms A223fs.
Identifiers: ClinVar variation 2918473 (VCV002918473.3), dbSNP rs2486092205, ClinGen allele CA2739278349.
Genomic context (GRCh38, chr7:150,958,303, plus strand): 5'-CGCGCTGCGGGGCGGAGAGCCGGGACCCACCAGCGCACGCCGCTCCTCCGCGGGCCCGAG[CCCTG>C]CCACGTGGTTGTCCATGGCTGTCACTTCGTCCAGGGCCAGCGACTCGCTGCTGGGTGCCG-3'